The following is an entry in ClinVar:

NM_006206.6(PDGFRA):c.355A>G (p.Ile119Val)

Gene: PDGFRA (platelet derived growth factor receptor alpha; plus strand). Cytogenetic location: 4q12.
Variant type: single nucleotide variant.
Coding change: c.355A>G on transcript NM_006206.6 (MANE Select); coding-DNA position 355, A replaced by G.
Protein change: p.Ile119Val; replaces isoleucine 119 with valine.
Molecular consequence: missense variant.
Genome position (GRCh38, 1-based): chr4:54,261,400, A>G. VCF-style: chr4-54261400-A-G. GRCh37 (hg19) VCF-style: chr4-55127567-A-G.
Other names: c.355A>G, p.Ile119Val (NM_001347827.2, NM_001347829.2); c.430A>G, p.Ile144Val (NM_001347828.2); c.394A>G, p.Ile132Val (NM_001347830.2); short protein forms I132V, I119V, I144V.
Identifiers: ClinVar variation 2843386 (VCV002843386.3), dbSNP rs1722708765, ClinGen allele CA356889085.

ClinVar aggregate classification (germline): Uncertain significance (1 of 4 stars; one submission).

Conditions:
Gastrointestinal stromal tumor. Also called: Gastrointestinal stromal tumor, somatic; Gastrointestinal stroma tumor. Identifiers: Orphanet 44890, MedGen C0238198, MeSH D046152, MONDO:0011719, OMIM 606764, HP:0100723.

Submission:

Labcorp Genetics (formerly Invitae), Labcorp
Classification: Uncertain significance for Gastrointestinal stromal tumor. Last evaluated: 2024-02-14. Review status: criteria provided, single submitter. Criteria: Invitae Variant Classification Sherloc (09022015). Collection method: clinical testing. Allele origin: germline.
Comment: This sequence change replaces isoleucine, which is neutral and non-polar, with valine, which is neutral and non-polar, at codon 119 of the PDGFRA protein (p.Ile119Val). This variant is not present in population databases (gnomAD no frequency). This variant has not been reported in the literature in individuals affected with PDGFRA-related conditions. Advanced modeling of protein sequence and biophysical properties (such as structural, functional, and spatial information, amino acid conservation, physicochemical variation, residue mobility, and thermodynamic stability) performed at Invitae indicates that this missense variant is not expected to disrupt PDGFRA protein function with a negative predictive value of 80%. In summary, the available evidence is currently insufficient to determine the role of this variant in disease. Therefore, it has been classified as a Variant of Uncertain Significance.